The following is an entry in ClinVar:

ClinVar aggregate classification (germline): Uncertain significance (1 of 4 stars; one submission).

Conditions:
Ataxia-telangiectasia syndrome (AT). Also called: ATAXIA-TELANGIECTASIA, COMPLEMENTATION GROUP A; ATAXIA-TELANGIECTASIA, FRESNO VARIANT; Ataxia-telangiectasia; Ataxia-telangiectasia, complementation group E; LOUIS-BAR SYNDROME; Cerebello-oculocutaneous telangiectasia. Identifiers: Orphanet 100, MedGen C0004135, MONDO:0008840, OMIM 208900.

Submission:

Labcorp Genetics (formerly Invitae), Labcorp
Classification: Uncertain significance for Ataxia-telangiectasia syndrome. Last evaluated: 2022-01-28. Review status: criteria provided, single submitter. Criteria: Invitae Variant Classification Sherloc (09022015). Collection method: clinical testing. Allele origin: germline.
Comment: In summary, the available evidence is currently insufficient to determine the role of this variant in disease. Therefore, it has been classified as a Variant of Uncertain Significance. Algorithms developed to predict the effect of missense changes on protein structure and function (SIFT, PolyPhen-2, Align-GVGD) all suggest that this variant is likely to be tolerated. This variant has not been reported in the literature in individuals affected with ATM-related conditions. This variant is not present in population databases (gnomAD no frequency). This sequence change replaces cysteine, which is neutral and slightly polar, with arginine, which is basic and polar, at codon 2753 of the ATM protein (p.Cys2753Arg).

NM_000051.4(ATM):c.8257T>C (p.Cys2753Arg)

Genes: ATM (ATM serine/threonine kinase; plus strand), C11orf65 (chromosome 11 open reading frame 65; minus strand). Cytogenetic location: 11q22.3.
Variant type: single nucleotide variant.
Coding change: c.8257T>C on transcript NM_000051.4 (MANE Select); coding-DNA position 8257, T replaced by C.
Protein change: p.Cys2753Arg; replaces cysteine 2753 with arginine.
Molecular consequence: missense variant. On other transcripts: intron variant (2).
Genome position (GRCh38, 1-based): chr11:108,335,950, T>C. VCF-style: chr11-108335950-T-C. GRCh37 (hg19) VCF-style: chr11-108206677-T-C.
Other names: c.8257T>C, p.Cys2753Arg (NM_001351834.2); c.641-26879A>G (NM_001330368.2); c.695-658A>G (NM_001351110.2); short protein forms C2753R.
Identifiers: ClinVar variation 2090598 (VCV002090598.4), dbSNP rs2136699875, ClinGen allele CA382562681.